The following is an entry in ClinVar:

ClinVar aggregate classification (germline): Uncertain significance (1 of 4 stars; one submission).

Allele frequency attached by ClinVar (database versions not stated): ExAC 0.00001.
gnomAD v4.1: 11 of 1,614,020 alleles (0.00068%); highest among the groups gnomAD compares: Non-Finnish European, 0.00085%; no homozygotes.

Submission:

Labcorp Genetics (formerly Invitae), Labcorp
Classification: Uncertain significance. Last evaluated: 2024-11-11. Review status: criteria provided, single submitter. Criteria: Invitae Variant Classification Sherloc (09022015). Collection method: clinical testing. Allele origin: germline.
Comment: This sequence change replaces arginine, which is basic and polar, with tryptophan, which is neutral and slightly polar, at codon 258 of the ERCC2 protein (p.Arg258Trp). This variant is present in population databases (rs767916267, gnomAD 0.0009%). This missense change has been observed in individual(s) with renal cell carcinoma (PMID: 32830346). ClinVar contains an entry for this variant (Variation ID: 2179943). Invitae Evidence Modeling of protein sequence and biophysical properties (such as structural, functional, and spatial information, amino acid conservation, physicochemical variation, residue mobility, and thermodynamic stability) indicates that this missense variant is expected to disrupt ERCC2 protein function with a positive predictive value of 80%. In summary, the available evidence is currently insufficient to determine the role of this variant in disease. Therefore, it has been classified as a Variant of Uncertain Significance.

Literature cited by the submitters: PubMed 32830346.

NM_000400.4(ERCC2):c.772C>T (p.Arg258Trp)

Gene: ERCC2 (ERCC excision repair 2, TFIIH core complex helicase subunit; minus strand). Cytogenetic location: 19q13.32.
Variant type: single nucleotide variant.
Coding change: c.772C>T on transcript NM_000400.4 (MANE Select); coding-DNA position 772, C replaced by T.
Protein change: p.Arg258Trp; replaces arginine 258 with tryptophan.
Molecular consequence: missense variant.
Genome position (GRCh38, 1-based): chr19:45,364,278, G>A on the plus strand (C>T on the coding strand, the complement: ERCC2 is on the minus strand). VCF-style: chr19-45364278-G-A. GRCh37 (hg19) VCF-style: chr19-45867536-G-A.
Other names: c.700C>T, p.Arg234Trp (NM_001130867.2); short protein forms R258W, R234W.
Identifiers: ClinVar variation 2179943 (VCV002179943.2), dbSNP rs767916267, ClinGen allele CA9513636.